The following is an entry in ClinVar:

ClinVar aggregate classification (germline): Uncertain significance (1 of 4 stars; one submission).

Submission:

Labcorp Genetics (formerly Invitae), Labcorp
Classification: Uncertain significance. Last evaluated: 2023-06-23. Review status: criteria provided, single submitter. Criteria: Invitae Variant Classification Sherloc (09022015). Collection method: clinical testing. Allele origin: germline.
Comment: This sequence change replaces arginine, which is basic and polar, with threonine, which is neutral and polar, at codon 818 of the COL7A1 protein (p.Arg818Thr). This variant is not present in population databases (gnomAD no frequency). This variant has not been reported in the literature in individuals affected with COL7A1-related conditions. In summary, the available evidence is currently insufficient to determine the role of this variant in disease. Therefore, it has been classified as a Variant of Uncertain Significance. Advanced modeling of protein sequence and biophysical properties (such as structural, functional, and spatial information, amino acid conservation, physicochemical variation, residue mobility, and thermodynamic stability) performed at Invitae indicates that this missense variant is not expected to disrupt COL7A1 protein function. Algorithms developed to predict the effect of sequence changes on RNA splicing suggest that this variant may create or strengthen a splice site.

NM_000094.4(COL7A1):c.2453G>C (p.Arg818Thr)

Gene: COL7A1 (collagen type VII alpha 1 chain; minus strand). Cytogenetic location: 3p21.31.
Variant type: single nucleotide variant.
Coding change: c.2453G>C on transcript NM_000094.4 (MANE Select); coding-DNA position 2453, G replaced by C.
Protein change: p.Arg818Thr; replaces arginine 818 with threonine.
Molecular consequence: missense variant.
Genome position (GRCh38, 1-based): chr3:48,588,776, C>G on the plus strand (G>C on the coding strand, the complement: COL7A1 is on the minus strand). VCF-style: chr3-48588776-C-G. GRCh37 (hg19) VCF-style: chr3-48626209-C-G.
Other names: short protein forms R818T.
Identifiers: ClinVar variation 2726481 (VCV002726481.3), dbSNP rs2045478618, ClinGen allele CA352719959.